The following is an entry in ClinVar:

ClinVar aggregate classification (germline): Likely benign. Review status: criteria provided, multiple submitters, no conflicts (2 of 4 stars). 4 submissions from 4 submitters: Likely benign (3). 1 of the submissions does not count toward it. Last evaluated 2026-01-18.

Conditions:
LZTR1-related disorder. Also called: LZTR1-related disorders; LZTR1-related condition.
Hereditary cancer-predisposing syndrome. Also called: Neoplastic Syndromes, Hereditary; Hereditary Cancer Syndrome; Tumor predisposition; Hereditary neoplastic syndrome. Identifiers: Orphanet 140162, MedGen C0027672, MeSH D009386, MONDO:0015356.
Cardiovascular phenotype. Identifiers: MedGen CN230736.

Allele frequency attached by ClinVar (database versions not stated): ExAC 0.00001; gnomAD exomes 0.00001; gnomAD 0.00009 and 0.00010; TOPMed 0.00018.

Submissions (4):

Labcorp Genetics (formerly Invitae), Labcorp
Classification: Likely benign. Last evaluated: 2026-01-18. Review status: criteria provided, single submitter. Criteria: Invitae Variant Classification Sherloc (09022015). Collection method: clinical testing. Allele origin: germline.

Women's Health and Genetics/Laboratory Corporation of America, LabCorp
Classification: Likely benign. Last evaluated: 2024-10-04. Review status: criteria provided, single submitter. Criteria: LabCorp Variant Classification Summary - May 2015. Collection method: clinical testing. Allele origin: germline.

Ambry Genetics
Classification: Likely benign for Cardiovascular phenotype; Hereditary cancer-predisposing syndrome. Last evaluated: 2020-02-27. Review status: criteria provided, single submitter. Criteria: Ambry Variant Classification Scheme 2023. Collection method: clinical testing. Allele origin: germline.

PreventionGenetics, part of Exact Sciences
Classification: Likely benign for LZTR1-related condition. Last evaluated: 2020-07-23. Review status: no assertion criteria provided. Collection method: clinical testing. Allele origin: germline. Not counted in ClinVar's aggregate classification.
Comment: This variant is classified as likely benign based on ACMG/AMP sequence variant interpretation guidelines (Richards et al. 2015 PMID: 25741868, with internal and published modifications).

NM_006767.4(LZTR1):c.2448G>A (p.Leu816=)

Gene: LZTR1 (leucine zipper like post translational regulator 1; plus strand). Cytogenetic location: 22q11.21.
Variant type: single nucleotide variant.
Coding change: c.2448G>A on transcript NM_006767.4 (MANE Select); coding-DNA position 2448, G replaced by A.
Protein change: p.Leu816=; no amino-acid change (leucine 816 retained).
Molecular consequence: synonymous variant.
Genome position (GRCh38, 1-based): chr22:20,997,273, G>A. VCF-style: chr22-20997273-G-A. GRCh37 (hg19) VCF-style: chr22-21351562-G-A.
Identifiers: ClinVar variation 1550639 (VCV001550639.13), dbSNP rs760496619, ClinGen allele CA10119467.
Genomic context (GRCh38, chr22:20,997,273, plus strand): 5'-CGGCCTGCTTGCCTTACAGGTCTCCAAGTTGCCCACCCTGCGGTCGCTGAGCCAGCAGCT[G>A]CTGCTGGACATCATAGACTCCCTGGCCTCCCACATCTCAGACAAGCAGTGCGCAGAGCTG-3'
Protein context (NP_006758.2, residues 806-826): LPTLRSLSQQ[Leu816=]LLDIIDSLAS